The following is an entry in ClinVar:

ClinVar aggregate classification (germline): Benign/Likely benign. Review status: criteria provided, multiple submitters, no conflicts (2 of 4 stars). 6 submissions from 6 submitters: Benign (2); Likely benign (4). Last evaluated 2026-01-14.

Conditions:
Immunodeficiency 35 (IMD35). Also called: Susceptibility to infection due to TYK2 deficiency; TYK2 DEFICIENCY; HIES WITH ATYPICAL MYCOBACTERIOSIS, AUTOSOMAL RECESSIVE; HYPER-IgE SYNDROME WITH ATYPICAL MYCOBACTERIOSIS, AUTOSOMAL RECESSIVE. Identifiers: Orphanet 331226, MedGen C1969086, MONDO:0012682, OMIM 611521.

Allele frequency attached by ClinVar (database versions not stated): gnomAD exomes 0.00031 and 0.00071; ExAC 0.00105; gnomAD 0.00325 and 0.00353; ESP Exome Variant Server 0.00369; 1000 Genomes Project 0.00379; TOPMed 0.00381; 1000 Genomes Project 30x 0.00468.
gnomAD v4.1: 966 of 1,613,514 alleles (0.06%); highest among the groups gnomAD compares: African/African-American, 1.2%; 4 homozygotes.

Submissions (6):

Labcorp Genetics (formerly Invitae), Labcorp
Classification: Benign for Immunodeficiency 35. Last evaluated: 2026-01-14. Review status: criteria provided, single submitter. Criteria: Invitae Variant Classification Sherloc (09022015). Collection method: clinical testing. Allele origin: germline.

Blueprint Genetics
Classification: Likely benign. Last evaluated: 2024-11-17. Review status: criteria provided, single submitter. Criteria: ACMG Guidelines, 2015. Collection method: clinical testing. Allele origin: germline.

CeGaT Center for Human Genetics Tuebingen
Classification: Likely benign. Last evaluated: 2024-04-01. Review status: criteria provided, single submitter. Criteria: CeGaT Center For Human Genetics Tuebingen Variant Classification Criteria Version 2. Collection method: clinical testing. Allele origin: germline. Affected: yes. Observed: 1 variant allele.
Comment: TYK2: BS1

GeneDx
Classification: Likely benign. Last evaluated: 2018-01-14. Review status: criteria provided, single submitter. Criteria: GeneDx Variant Classification (06012015). Collection method: clinical testing. Allele origin: germline. Affected: yes.
Comment: This variant is considered likely benign or benign based on one or more of the following criteria: it is a conservative change, it occurs at a poorly conserved position in the protein, it is predicted to be benign by multiple in silico algorithms, and/or has population frequency not consistent with disease.

Illumina Laboratory Services, Illumina
Classification: Benign for Immunodeficiency 35. Last evaluated: 2018-01-13. Review status: criteria provided, single submitter. Criteria: ICSL Variant Classification Criteria 13 December 2019. Collection method: clinical testing. Allele origin: germline.
Comment: This variant was observed in the ICSL laboratory as part of a predisposition screen in an ostensibly healthy population. It had not been previously curated by ICSL or reported in the Human Gene Mutation Database (HGMD: prior to June 1st, 2018), and was therefore a candidate for classification through an automated scoring system. Utilizing variant allele frequency, disease prevalence and penetrance estimates, and inheritance mode, an automated score was calculated to assess if this variant is too frequent to cause the disease. Based on the score and internal cut-off values, a variant classified as benign is not then subjected to further curation. The score for this variant resulted in a classification of benign for this disease.

Breakthrough Genomics
Classification: Likely benign. Review status: criteria provided, single submitter. Criteria: ACMG Guidelines, 2015. Collection method: not provided. Allele origin: germline. Inheritance: Autosomal recessive inheritance. Affected: yes.

NM_003331.5(TYK2):c.3330G>A (p.Glu1110=)

Gene: TYK2 (tyrosine kinase 2; minus strand). Cytogenetic location: 19p13.2.
Variant type: single nucleotide variant.
Coding change: c.3330G>A on transcript NM_003331.5 (MANE Select); coding-DNA position 3330, G replaced by A.
Protein change: p.Glu1110=; no amino-acid change (glutamic acid 1110 retained).
Molecular consequence: synonymous variant.
Genome position (GRCh38, 1-based): chr19:10,351,151, C>T on the plus strand (G>A on the coding strand, the complement: TYK2 is on the minus strand). VCF-style: chr19-10351151-C-T. GRCh37 (hg19) VCF-style: chr19-10461827-C-T.
Other names: c.3330G>A (LRG_121t1).
Identifiers: ClinVar variation 380662 (VCV000380662.37), dbSNP rs114073289, ClinGen allele CA9192748.